The following is an entry in ClinVar:

ClinVar aggregate classification (germline): Uncertain significance (1 of 4 stars; one submission).

gnomAD v4.1: 1 of 1,614,104 alleles (0.000062%); highest among the groups gnomAD compares: Non-Finnish European, 0.000085%; no homozygotes.

Submission:

GeneDx
Classification: Uncertain significance. Last evaluated: 2025-02-03. Review status: criteria provided, single submitter. Criteria: GeneDx Variant Classification Process June 2021. Collection method: clinical testing. Allele origin: germline. Affected: yes.
Comment: Not observed at significant frequency in large population cohorts (gnomAD); In silico analysis indicates that this missense variant does not alter protein structure/function; Has not been previously published as pathogenic or benign to our knowledge; This variant is associated with the following publications: (PMID: 21520338, 31554319, 9590290)

NM_005422.4(TECTA):c.4630C>T (p.Pro1544Ser)

Genes: TBCEL-TECTA (TBCEL-TECTA readthrough; plus strand), TECTA (tectorin alpha; plus strand). Cytogenetic location: 11q23.3.
Variant type: single nucleotide variant.
Coding change: c.4630C>T on transcript NM_005422.4 (MANE Select); coding-DNA position 4630, C replaced by T.
Protein change: p.Pro1544Ser; replaces proline 1544 with serine.
Molecular consequence: missense variant.
Genome position (GRCh38, 1-based): chr11:121,158,165, C>T. VCF-style: chr11-121158165-C-T. GRCh37 (hg19) VCF-style: chr11-121028874-C-T.
Other names: c.5587C>T, p.Pro1863Ser (NM_001378761.1); short protein forms P1544S, P1863S.
Identifiers: ClinVar variation 4082585 (VCV004082585.1).